The following is an entry in ClinVar:

NM_000057.4(BLM):c.2579del (p.His860fs)

Gene: BLM (BLM RecQ like helicase; plus strand). Cytogenetic location: 15q26.1.
Variant type: Deletion.
Coding change: c.2579del on transcript NM_000057.4 (MANE Select); coding-DNA position 2579, one base deleted (A; older notation c.2579delA).
Protein change: p.His860fs; shifts the reading frame from histidine 860.
Molecular consequence: frameshift variant.
Genome position (GRCh38, 1-based): chr15:90,782,845, A deleted. VCF-style (leftmost placement, unchanged base first): chr15-90782844-CA-C. GRCh37 (hg19) VCF-style: chr15-91326074-CA-C.
Other names: c.2579del, p.His860fs (NM_001287246.2, NM_001287247.2); c.1454del, p.His485fs (NM_001287248.2); short protein forms H485fs, H860fs.
Identifiers: ClinVar variation 1451850 (VCV001451850.6), dbSNP rs2151178044, ClinGen allele CA2573151401.
Genomic context (GRCh38, chr15:90,782,844, plus strand): 5'-CTCATAATAACTAAATTTTATGTTTGGGACTTTTTTAGGTTTAGCATGAGCTTTAACAGA[CA>C]TAATCTGAAATACTATGTATTACCGAAAAAGCCTAAAAAGGTGGCATTTGATTGCCTAGA-3'

ClinVar aggregate classification (germline): Pathogenic (1 of 4 stars; one submission).

Conditions:
Bloom syndrome (BLM). Also called: Bloom-Torre-Machacek syndrome. Identifiers: Orphanet 125, MedGen C0005859, MONDO:0008876, OMIM 210900.

Submission:

Labcorp Genetics (formerly Invitae), Labcorp
Classification: Pathogenic for Bloom syndrome. Last evaluated: 2023-01-14. Review status: criteria provided, single submitter. Criteria: Invitae Variant Classification Sherloc (09022015). Collection method: clinical testing. Allele origin: germline.
Comment: This variant has not been reported in the literature in individuals affected with BLM-related conditions. For these reasons, this variant has been classified as Pathogenic. ClinVar contains an entry for this variant (Variation ID: 1451850). This variant is not present in population databases (gnomAD no frequency). This sequence change creates a premature translational stop signal (p.His860Leufs*3) in the BLM gene. It is expected to result in an absent or disrupted protein product. Loss-of-function variants in BLM are known to be pathogenic (PMID: 17407155).

Literature cited by the submitters: PubMed 17407155.